The following is an entry in ClinVar:

NM_001371928.1(AHDC1):c.1813G>A (p.Ala605Thr)

Gene: AHDC1 (AT-hook DNA binding motif containing 1; minus strand). Cytogenetic location: 1p36.11.
Variant type: single nucleotide variant.
Coding change: c.1813G>A on transcript NM_001371928.1 (MANE Select); coding-DNA position 1813, G replaced by A.
Protein change: p.Ala605Thr; replaces alanine 605 with threonine.
Molecular consequence: missense variant.
Genome position (GRCh38, 1-based): chr1:27,550,303, C>T on the plus strand (G>A on the coding strand, the complement: AHDC1 is on the minus strand). VCF-style: chr1-27550303-C-T. GRCh37 (hg19) VCF-style: chr1-27876814-C-T.
Other names: c.1813G>A, p.Ala605Thr (NM_001029882.3); short protein forms A605T.
Identifiers: ClinVar variation 1176815 (VCV001176815.41), dbSNP rs2019464260, ClinGen allele CA339233300.
Genomic context (GRCh38, chr1:27,550,303, plus strand): 5'-GGCGGTTCAGGAAGGCCAGCTTGGCCAGGACGTCTGAGTACTCGGCCTTGCTGTCGTTGG[C>T]GTCTGCTGCATAGGATGGCTGGGGAGATGCCAGCTTCTGCTTCCGCCGCCGTCGTTTTTT-3'
Protein context (NP_001358857.1, residues 595-615): ASPQPSYAAD[Ala605Thr]NDSKAEYSDV

ClinVar aggregate classification (germline): Uncertain significance. Review status: criteria provided, multiple submitters, no conflicts (2 of 4 stars). 3 submissions from 3 submitters: Uncertain significance (3). Last evaluated 2025-09-16.

Conditions:
AHDC1-related disorder. Also called: AHDC1-related condition.

Allele frequency attached by ClinVar (database versions not stated): gnomAD exomes below 0.00001; gnomAD 0.00001.
gnomAD v4.1: 3 of 1,613,988 alleles (0.00019%); highest among the groups gnomAD compares: South Asian, 0.0022%; no homozygotes.

Submissions (3):

Labcorp Genetics (formerly Invitae), Labcorp
Classification: Uncertain significance. Last evaluated: 2025-09-16. Review status: criteria provided, single submitter. Criteria: Invitae Variant Classification Sherloc (09022015). Collection method: clinical testing. Allele origin: germline.
Comment: This sequence change replaces alanine, which is neutral and non-polar, with threonine, which is neutral and polar, at codon 605 of the AHDC1 protein (p.Ala605Thr). This variant is not present in population databases (gnomAD no frequency). This variant has not been reported in the literature in individuals affected with AHDC1-related conditions. ClinVar contains an entry for this variant (Variation ID: 1176815). An algorithm developed to predict the effect of missense changes on protein structure and function (PolyPhen-2) suggests that this variant is likely to be disruptive. In summary, the available evidence is currently insufficient to determine the role of this variant in disease. Therefore, it has been classified as a Variant of Uncertain Significance.

PreventionGenetics, part of Exact Sciences
Classification: Uncertain significance for AHDC1-related condition. Last evaluated: 2025-01-02. Review status: criteria provided, single submitter. Criteria: ACMG Guidelines, 2015. Collection method: clinical testing. Allele origin: germline.
Comment: The AHDC1 c.1813G>A variant is predicted to result in the amino acid substitution p.Ala605Thr. To our knowledge, this variant has not been reported in the literature or in a large population database (gnomAD), indicating this variant is rare. At this time, the clinical significance of this variant is uncertain due to the absence of conclusive functional and genetic evidence.

CeGaT Center for Human Genetics Tuebingen
Classification: Uncertain significance. Last evaluated: 2021-06-01. Review status: criteria provided, single submitter. Criteria: CeGaT Center For Human Genetics Tuebingen Variant Classification Criteria Version 2. Collection method: clinical testing. Allele origin: germline. Affected: yes. Observed: 1 variant allele.